The following is an entry in ClinVar:

Single allele

Gene: ANKRD11 (ankyrin repeat domain 11; minus strand). Cytogenetic location: 16q24.3.
Variant type: Deletion.
Identifiers: ClinVar variation 4819221 (VCV004819221.1).

ClinVar aggregate classification (germline): Uncertain significance (1 of 4 stars; one submission).

Conditions:
KBG syndrome (KBGS). Also called: ANKRD11-Related KBG Syndrome. Identifiers: Orphanet 2332, MedGen C0220687, MONDO:0007846, OMIM 148050.

Submission:

Broad Center for Mendelian Genomics, Broad Institute of MIT and Harvard
Classification: Uncertain significance for KBG syndrome. Last evaluated: 2023-05-01. Review status: criteria provided, single submitter. Criteria: ACMG/ClinGen CNV Guidelines, 2019. Collection method: research. Allele origin: germline. Inheritance: Autosomal dominant inheritance. Affected: yes.
Comment: These breakpoints have been called by exome sequencing only and therefore may not reflect the true breakpoints. The patient phenotype is nonspecific, but is consistent with cases described in the literature and/or published databases with overlapping variants. There is partial overlap with the ANKRD11 gene which is known to be haploinsufficient and has been assessed by the ClinGen Dosage Sensitivity Working Group. This variant is a deletion of three exons and is not predicted to alter the protein reading-frame. This deletion is expected to impact the protein. Data from large population studies are insufficient to assess the frequency of this variant. In summary, while there is some suspicion for a pathogenic role, the clinical significance of this variant is uncertain. The ACMG/ClinGen evidence codes and points used in this curation are as follows: 1: 0 points, 2: 0.45 points, 3: 0 points, 4-5: 0.1 points; Total: 0.55 points; Riggs 2020 (PMID: 31690835).